The following is an entry in ClinVar:

NM_000748.3(CHRNB2):c.1142C>T (p.Ala381Val)

Gene: CHRNB2 (cholinergic receptor nicotinic beta 2 subunit; plus strand). Cytogenetic location: 1q21.3.
Variant type: single nucleotide variant.
Coding change: c.1142C>T on transcript NM_000748.3 (MANE Select); coding-DNA position 1142, C replaced by T.
Protein change: p.Ala381Val; replaces alanine 381 with valine.
Molecular consequence: missense variant.
Genome position (GRCh38, 1-based): chr1:154,571,965, C>T. VCF-style: chr1-154571965-C-T. GRCh37 (hg19) VCF-style: chr1-154544441-C-T.
Other names: short protein forms A381V.
Identifiers: ClinVar variation 4070729 (VCV004070729.1).
Genomic context (GRCh38, chr1:154,571,965, plus strand): 5'-TGCGCCTGCGGCGACGCCAGCGTGAGCGCGAGGGCGCTGGAGCCCTCTTCTTCCGCGAAG[C>T]CCCAGGGGCCGACTCCTGCACGTGCTTCGTCAACCGCGCGTCGGTGCAGGGGTTGGCCGG-3'
Protein context (NP_000739.1, residues 371-391): EGAGALFFRE[Ala381Val]PGADSCTCFV

ClinVar aggregate classification (germline): Uncertain significance (1 of 4 stars; one submission).

gnomAD v4.1: 3 of 1,540,948 alleles (0.00019%); highest among the groups gnomAD compares: East Asian, 0.0024%; no homozygotes.

Submission:

GeneDx
Classification: Uncertain significance. Last evaluated: 2025-01-16. Review status: criteria provided, single submitter. Criteria: GeneDx Variant Classification Process June 2021. Collection method: clinical testing. Allele origin: germline. Affected: yes.
Comment: Not observed at significant frequency in large population cohorts (gnomAD); In silico analysis indicates that this missense variant does not alter protein structure/function; Has not been previously published as pathogenic or benign to our knowledge